The following is an entry in ClinVar:

NM_080425.4(GNAS):c.2069-4898G>T

Genes: GNAS (GNAS complex locus; plus strand), LOC130066266 (ATAC-STARR-seq lymphoblastoid silent region 13081; plus strand). Cytogenetic location: 20q13.32.
Variant type: single nucleotide variant.
Coding change: c.2069-4898G>T on transcript NM_080425.4 (MANE Plus Clinical); 4898 bases into the intron before coding-DNA position 2069, G replaced by T.
Molecular consequence: intron variant.
Genome position (GRCh38, 1-based): chr20:58,890,714, G>T. VCF-style: chr20-58890714-G-T. GRCh37 (hg19) VCF-style: chr20-57465769-G-T.
Other names: c.*43-4898G>T (NM_016592.5); c.44-4898G>T (NM_001410912.1); c.-38-4898G>T (NM_001309861.2); c.*1-4898G>T (NM_001077490.3); c.2069-4898G>T (NM_001410913.1); c.*159-4898G>T (NM_001309883.1); c.-39+1361G>T (NM_001438273.1, NM_001309840.2); c.-39+1382G>T (NM_001439291.1, NM_001438274.1).
Identifiers: ClinVar variation 3771745 (VCV003771745.13).

ClinVar aggregate classification (germline): Likely benign (1 of 4 stars; one submission).

Submission:

CeGaT Center for Human Genetics Tuebingen
Classification: Likely benign. Last evaluated: 2025-02-01. Review status: criteria provided, single submitter. Criteria: CeGaT Center For Human Genetics Tuebingen Variant Classification Criteria Version 2. Collection method: clinical testing. Allele origin: germline. Affected: yes. Observed: 1 variant allele.
Comment: GNAS: BP4, BP7